The following is an entry in ClinVar:

NM_144997.7(FLCN):c.403C>A (p.Pro135Thr)

Gene: FLCN (folliculin; minus strand). Cytogenetic location: 17p11.2.
Variant type: single nucleotide variant.
Coding change: c.403C>A on transcript NM_144997.7 (MANE Select); coding-DNA position 403, C replaced by A.
Protein change: p.Pro135Thr; replaces proline 135 with threonine.
Molecular consequence: missense variant.
Genome position (GRCh38, 1-based): chr17:17,224,137, G>T on the plus strand (C>A on the coding strand, the complement: FLCN is on the minus strand). VCF-style: chr17-17224137-G-T. GRCh37 (hg19) VCF-style: chr17-17127451-G-T.
Other names: c.457C>A, p.Pro153Thr (NM_001353229.2); c.403C>A, p.Pro135Thr (NM_001353230.2, NM_001353231.2, NM_144606.7); short protein forms P135T, P153T.
Identifiers: ClinVar variation 2675739 (VCV002675739.2), dbSNP rs1483740746, ClinGen allele CA398534643.
Genomic context (GRCh38, chr17:17,224,137, plus strand): 5'-TGTGGCTGAACACAAAGCCGTGCTGCTCATCTCCGAAGAAGATGGGGCCTTCACGGCCAG[G>T]GCAGACCTGGAGGGACACCGGCGACTCAGACAGCCCTTTCCTCGCTTAGTGACACCAAAT-3'
Protein context (NP_659434.2, residues 125-145): CVRSLSCEVC[Pro135Thr]GREGPIFFGD

ClinVar aggregate classification (germline): Uncertain significance. Review status: criteria provided, multiple submitters, no conflicts (2 of 4 stars). 2 submissions from 2 submitters: Uncertain significance (2). Last evaluated 2025-06-19.

Conditions:
Birt-Hogg-Dube syndrome. Also called: Birt Hogg Dubé syndrome. Identifiers: Orphanet 122, MedGen C0346010, MONDO:0800444.
Hereditary cancer-predisposing syndrome. Also called: Tumor predisposition; Neoplastic Syndromes, Hereditary; Hereditary Cancer Syndrome; Hereditary neoplastic syndrome. Identifiers: Orphanet 140162, MedGen C0027672, MeSH D009386, MONDO:0015356.

Allele frequency attached by ClinVar (database versions not stated): gnomAD 0.00001.

Submissions (2):

Ambry Genetics
Classification: Uncertain significance for Hereditary cancer-predisposing syndrome. Last evaluated: 2025-06-19. Review status: criteria provided, single submitter. Criteria: Ambry Variant Classification Scheme 2023. Collection method: clinical testing. Allele origin: germline.
Comment: The p.P135T variant (also known as c.403C>A), located in coding exon 3 of the FLCN gene, results from a C to A substitution at nucleotide position 403. The proline at codon 135 is replaced by threonine, an amino acid with highly similar properties. This amino acid position is conserved. In addition, this alteration is predicted to be deleterious by in silico analysis. Based on the available evidence, the clinical significance of this variant remains unclear.

Baylor Genetics
Classification: Uncertain significance for Birt-Hogg-Dube syndrome 1. Last evaluated: 2023-10-30. Review status: criteria provided, single submitter. Criteria: ACMG Guidelines, 2015. Collection method: clinical testing. Allele origin: unknown.